The following is an entry in ClinVar:

NM_031475.3(ESPN):c.295-147dup

Gene: ESPN (espin; plus strand). Cytogenetic location: 1p36.31.
Variant type: Duplication.
Coding change: c.295-147dup on transcript NM_031475.3 (MANE Select); 147 bases into the intron before coding-DNA position 295, one base duplicated (A; older notation c.295-147dupA).
Molecular consequence: intron variant.
Genome position (GRCh38, 1-based): chr1:6,428,079, A duplicated; the last of 8 consecutive A bases (chr1:6,428,072-6,428,079); duplicating any one gives the same sequence. VCF-style (leftmost placement, unchanged base first): chr1-6428071-C-CA. GRCh37 (hg19) VCF-style: chr1-6488131-C-CA.
Other names: c.295-147dup (NM_001367474.1, NM_001367473.1).
Identifiers: ClinVar variation 1707365 (VCV001707365.2), dbSNP rs199582087, ClinGen allele CA17194290.
Genomic context (GRCh38, chr1:6,428,071, plus strand): 5'-AGAGGGCCAGTTAGTTGCCCAAGGACAGAAGCAGGACTCAAACCCAGGATCCGCTTGACC[C>CA]AAAAAAAACATTGCTGAATGAGGCCTGGCCAATCCCTCCAGGGAAGACAGAGAGCACAGA-3'

ClinVar aggregate classification (germline): Likely benign (1 of 4 stars; one submission).

Submission:

GeneDx
Classification: Likely benign. Last evaluated: 2020-05-30. Review status: criteria provided, single submitter. Criteria: GeneDx Variant Classification Process June 2021. Collection method: clinical testing. Allele origin: germline. Affected: yes.
Comment: See Variant Classification Assertion Criteria.